The following is an entry in ClinVar:

NM_003070.5(SMARCA2):c.826C>T (p.Gln276Ter)

Gene: SMARCA2 (SWI/SNF related BAF chromatin remodeling complex subunit ATPase 2; plus strand). Cytogenetic location: 9p24.3.
Variant type: single nucleotide variant.
Coding change: c.826C>T on transcript NM_003070.5 (MANE Select); coding-DNA position 826, C replaced by T.
Protein change: p.Gln276Ter; replaces glutamine 276 with a stop codon.
Molecular consequence: nonsense.
Genome position (GRCh38, 1-based): chr9:2,047,264, C>T. VCF-style: chr9-2047264-C-T. GRCh37 (hg19) VCF-style: chr9-2047264-C-T.
Other names: c.826C>T, p.Gln276Ter (NM_001289396.2, NM_001289397.2, NM_139045.4); short protein forms Q276*.
Identifiers: ClinVar variation 3031864 (VCV003031864.2), dbSNP rs2537243038, ClinGen allele CA372780764.

ClinVar aggregate classification (germline): Uncertain significance (0 of 4 stars; one submission).

Conditions:
SMARCA2-related disorder. Also called: SMARCA2-related condition.

Submission:

PreventionGenetics, part of Exact Sciences
Classification: Uncertain significance for SMARCA2-related condition. Last evaluated: 2024-01-29. Review status: no assertion criteria provided. Collection method: clinical testing. Allele origin: germline.
Comment: The SMARCA2 c.826C>T variant is predicted to result in premature protein termination (p.Gln276*). To our knowledge, this variant has not been reported in the literature or in a large population database, indicating this variant is rare. To our knowledge, loss of function variants in SMARCA2 have not been established as causative of disease. Although we suspect that this variant may be pathogenic, at this time, the clinical significance of this variant is uncertain due to the absence of conclusive functional and genetic evidence.